The following is an entry in ClinVar:

NM_000075.4(CDK4):c.566C>T (p.Ser189Phe)

Gene: CDK4 (cyclin dependent kinase 4; minus strand). Cytogenetic location: 12q14.1.
Variant type: single nucleotide variant.
Coding change: c.566C>T on transcript NM_000075.4 (MANE Select); coding-DNA position 566, C replaced by T.
Protein change: p.Ser189Phe; replaces serine 189 with phenylalanine.
Molecular consequence: missense variant.
Genome position (GRCh38, 1-based): chr12:57,750,722, G>A on the plus strand (C>T on the coding strand, the complement: CDK4 is on the minus strand). VCF-style: chr12-57750722-G-A. GRCh37 (hg19) VCF-style: chr12-58144505-G-A.
Other names: short protein forms S189F.
Identifiers: ClinVar variation 4710299 (VCV004710299.1).

ClinVar aggregate classification (germline): Uncertain significance (1 of 4 stars; one submission).

Conditions:
Familial melanoma. Also called: Hereditary melanoma; Hereditary cutaneous melanoma. Identifiers: Orphanet 618, MedGen C1512419, MONDO:0018961.

Submission:

Labcorp Genetics (formerly Invitae), Labcorp
Classification: Uncertain significance for Familial melanoma. Last evaluated: 2025-07-02. Review status: criteria provided, single submitter. Criteria: Invitae Variant Classification Sherloc (09022015). Collection method: clinical testing. Allele origin: germline.
Comment: This sequence change replaces serine, which is neutral and polar, with phenylalanine, which is neutral and non-polar, at codon 189 of the CDK4 protein (p.Ser189Phe). This variant is not present in population databases (gnomAD no frequency). This variant has not been reported in the literature in individuals affected with CDK4-related conditions. An algorithm developed to predict the effect of missense changes on protein structure and function (PolyPhen-2) suggests that this variant is likely to be disruptive. In summary, the available evidence is currently insufficient to determine the role of this variant in disease. Therefore, it has been classified as a Variant of Uncertain Significance.